The following is an entry in ClinVar:

ClinVar aggregate classification (germline): Conflicting classifications of pathogenicity. Review status: criteria provided, conflicting classifications (1 of 4 stars). 3 submissions from 3 submitters: Likely pathogenic (1); Uncertain significance (2). Last evaluated 2025-12-04.

Conditions:
Corneal dystrophy, Meesmann, 1 (MECD1). Identifiers: Orphanet 98954, MedGen C5231499, MONDO:0020791, OMIM 122100.
Inborn genetic diseases. Identifiers: MedGen C0950123, MeSH D030342.

Allele frequency attached by ClinVar (database versions not stated): gnomAD 0.00003; ExAC 0.00004; gnomAD exomes 0.00003; TOPMed 0.00004; ESP Exome Variant Server 0.00008.
gnomAD v4.1: 43 of 1,613,878 alleles (0.0027%); highest among the groups gnomAD compares: Middle Eastern, 0.016%; no homozygotes.

Submissions (3):

Ambry Genetics
Classification: Uncertain significance for Inborn genetic diseases. Last evaluated: 2025-12-04. Review status: criteria provided, single submitter. Criteria: Ambry Variant Classification Scheme 2023. Collection method: clinical testing. Allele origin: germline.

Department of Pathology and Laboratory Medicine, Sinai Health System
Classification: Uncertain significance for Corneal dystrophy, Meesmann, 1. Last evaluated: 2022-07-04. Review status: criteria provided, single submitter. Criteria: ACMG Guidelines, 2015. Collection method: research. Allele origin: germline.

DBGen Ocular Genomics
Classification: Likely pathogenic for Corneal dystrophy, Meesmann, 1. Last evaluated: 2022-01-01. Review status: criteria provided, single submitter. Criteria: ACMG Guidelines, 2015. Collection method: clinical testing. Allele origin: inherited. Inheritance: Autosomal dominant inheritance. Affected: yes.
Comment: Class 4 ACMG Guidelines, 2015 (PMID:25741868)

NM_000223.4(KRT12):c.1181T>C (p.Leu394Pro)

Gene: KRT12 (keratin 12; minus strand). Cytogenetic location: 17q21.2.
Variant type: single nucleotide variant.
Coding change: c.1181T>C on transcript NM_000223.4 (MANE Select); coding-DNA position 1181, T replaced by C.
Protein change: p.Leu394Pro; replaces leucine 394 with proline.
Molecular consequence: missense variant.
Genome position (GRCh38, 1-based): chr17:40,863,258, A>G on the plus strand (T>C on the coding strand, the complement: KRT12 is on the minus strand). VCF-style: chr17-40863258-A-G. GRCh37 (hg19) VCF-style: chr17-39019510-A-G.
Other names: c.1181T>C (NM_000223.3); short protein forms L394P.
Identifiers: ClinVar variation 2628021 (VCV002628021.4), dbSNP rs370179526, ClinGen allele CA8548658.